The following is an entry in ClinVar:

ClinVar aggregate classification (germline): Likely benign. Review status: criteria provided, multiple submitters, no conflicts (2 of 4 stars). 2 submissions from 2 submitters: Likely benign (2). Last evaluated 2025-04-02.

Conditions:
Early Myoclonic Encephalopathy. Identifiers: MedGen C0270855.

Allele frequency attached by ClinVar (database versions not stated): gnomAD 0.00002; gnomAD exomes 0.00003 and 0.00008; TOPMed 0.00003; ExAC 0.00006.
gnomAD v4.1: 61 of 1,613,618 alleles (0.0038%); highest among the groups gnomAD compares: Admixed American, 0.0033%; no homozygotes.

Submissions (2):

Labcorp Genetics (formerly Invitae), Labcorp
Classification: Likely benign for Early Myoclonic Encephalopathy. Last evaluated: 2025-04-02. Review status: criteria provided, single submitter. Criteria: Invitae Variant Classification Sherloc (09022015). Collection method: clinical testing. Allele origin: germline.

CeGaT Center for Human Genetics Tuebingen
Classification: Likely benign. Last evaluated: 2023-04-01. Review status: criteria provided, single submitter. Criteria: CeGaT Center For Human Genetics Tuebingen Variant Classification Criteria Version 2. Collection method: clinical testing. Allele origin: germline. Affected: yes. Observed: 1 variant allele.
Comment: KCND2: BP4, BP7

NM_012281.3(KCND2):c.795C>T (p.Ile265=)

Gene: KCND2 (potassium voltage-gated channel subfamily D member 2; plus strand). Cytogenetic location: 7q31.31.
Variant type: single nucleotide variant.
Coding change: c.795C>T on transcript NM_012281.3 (MANE Select); coding-DNA position 795, C replaced by T.
Protein change: p.Ile265=; no amino-acid change (isoleucine 265 retained).
Molecular consequence: synonymous variant.
Genome position (GRCh38, 1-based): chr7:120,275,427, C>T. VCF-style: chr7-120275427-C-T. GRCh37 (hg19) VCF-style: chr7-119915481-C-T.
Identifiers: ClinVar variation 1605294 (VCV001605294.31), dbSNP rs776818004, ClinGen allele CA4453546.